The following is an entry in ClinVar:

NM_000051.4(ATM):c.8664A>G (p.Ile2888Met)

Genes: ATM (ATM serine/threonine kinase; plus strand), C11orf65 (chromosome 11 open reading frame 65; minus strand). Cytogenetic location: 11q22.3.
Variant type: single nucleotide variant.
Coding change: c.8664A>G on transcript NM_000051.4 (MANE Select); coding-DNA position 8664, A replaced by G.
Protein change: p.Ile2888Met; replaces isoleucine 2888 with methionine.
Molecular consequence: missense variant. On other transcripts: intron variant (2).
Genome position (GRCh38, 1-based): chr11:108,347,358, A>G. VCF-style: chr11-108347358-A-G. GRCh37 (hg19) VCF-style: chr11-108218085-A-G.
Other names: c.8664A>G, p.Ile2888Met (NM_001351834.2); c.641-38287T>C (NM_001330368.2); c.695-12066T>C (NM_001351110.2); short protein forms I2888M.
Identifiers: ClinVar variation 1017141 (VCV001017141.45), dbSNP rs769052707, ClinGen allele CA6266405.

ClinVar aggregate classification (germline): Uncertain significance (1 of 4 stars; one submission).

Conditions:
Ataxia-telangiectasia syndrome (AT). Also called: Ataxia telangiectasia (A-T); ATAXIA-TELANGIECTASIA, COMPLEMENTATION GROUP A; ATAXIA-TELANGIECTASIA, FRESNO VARIANT; Ataxia-telangiectasia; Ataxia-telangiectasia, complementation group E; LOUIS-BAR SYNDROME. Identifiers: Orphanet 100, MedGen C0004135, MONDO:0008840, OMIM 208900.

Allele frequency attached by ClinVar (database versions not stated): gnomAD exomes below 0.00001; ExAC 0.00001.

Submission:

Labcorp Genetics (formerly Invitae), Labcorp
Classification: Uncertain significance for Ataxia-telangiectasia syndrome. Last evaluated: 2021-08-31. Review status: criteria provided, single submitter. Criteria: Invitae Variant Classification Sherloc (09022015). Collection method: clinical testing. Allele origin: germline.
Comment: This sequence change replaces isoleucine with methionine at codon 2888 of the ATM protein (p.Ile2888Met). The isoleucine residue is highly conserved and there is a small physicochemical difference between isoleucine and methionine. This variant is present in population databases (rs769052707, ExAC 0.002%). This variant has not been reported in the literature in individuals affected with ATM-related conditions. Algorithms developed to predict the effect of missense changes on protein structure and function are either unavailable or do not agree on the potential impact of this missense change (SIFT: "Deleterious"; PolyPhen-2: "Probably Damaging"; Align-GVGD: "Class C0"). In summary, the available evidence is currently insufficient to determine the role of this variant in disease. Therefore, it has been classified as a Variant of Uncertain Significance.